The following is an entry in ClinVar:

ClinVar aggregate classification (germline): Likely benign. Review status: criteria provided, multiple submitters, no conflicts (2 of 4 stars). 3 submissions from 3 submitters: Likely benign (2). 1 of the submissions does not count toward it. Last evaluated 2024-09-02.

Conditions:
Nephronophthisis 14 (NPHP14). Identifiers: Orphanet 2318, MedGen C3539071, MONDO:0013916, OMIM 614844.
ZNF423-related disorder. Also called: ZNF423-related condition.

Allele frequency attached by ClinVar (database versions not stated): ExAC 0.00002; gnomAD exomes 0.00003; TOPMed 0.00003.
gnomAD v4.1: 79 of 1,613,896 alleles (0.0049%); highest among the groups gnomAD compares: African/African-American, 0.0067%; no homozygotes.

Submissions (3):

Blueprint Genetics
Classification: Likely benign. Last evaluated: 2024-09-02. Review status: criteria provided, single submitter. Criteria: ACMG Guidelines, 2015. Collection method: clinical testing. Allele origin: germline.

Labcorp Genetics (formerly Invitae), Labcorp
Classification: Likely benign for Nephronophthisis 14. Last evaluated: 2024-02-09. Review status: criteria provided, single submitter. Criteria: Invitae Variant Classification Sherloc (09022015). Collection method: clinical testing. Allele origin: germline.

PreventionGenetics, part of Exact Sciences
Classification: Likely benign for ZNF423-related condition. Last evaluated: 2019-12-26. Review status: no assertion criteria provided. Collection method: clinical testing. Allele origin: germline. Not counted in ClinVar's aggregate classification.
Comment: This variant is classified as likely benign based on ACMG/AMP sequence variant interpretation guidelines (Richards et al. 2015 PMID: 25741868, with internal and published modifications).

NM_001379286.1(ZNF423):c.3702C>T (p.Gly1234=)

Gene: ZNF423 (zinc finger protein 423; minus strand). Cytogenetic location: 16q12.1.
Variant type: single nucleotide variant.
Coding change: c.3702C>T on transcript NM_001379286.1 (MANE Select); coding-DNA position 3702, C replaced by T.
Protein change: p.Gly1234=; no amino-acid change (glycine 1234 retained).
Molecular consequence: synonymous variant.
Genome position (GRCh38, 1-based): chr16:49,525,394, G>A on the plus strand (C>T on the coding strand, the complement: ZNF423 is on the minus strand). VCF-style: chr16-49525394-G-A. GRCh37 (hg19) VCF-style: chr16-49559305-G-A.
Other names: c.3678C>T (NM_015069.4); c.3498C>T, p.Gly1166= (NM_001271620.2); c.3327C>T, p.Gly1109= (NM_001330533.2); c.3678C>T, p.Gly1226= (NM_015069.5).
Identifiers: ClinVar variation 724108 (VCV000724108.10), dbSNP rs766215720, ClinGen allele CA8046225.